The following is an entry in ClinVar:

ClinVar aggregate classification (germline): Uncertain significance (1 of 4 stars; one submission).

Conditions:
Charcot-Marie-Tooth disease type 4. Also called: Charcot-Marie-Tooth disease, type IV; Charcot-Marie-Tooth, Type 4. Identifiers: Orphanet 64749, MedGen C4082197, MONDO:0018995.

Allele frequency attached by ClinVar (database versions not stated): gnomAD exomes below 0.00001.

Submission:

Labcorp Genetics (formerly Invitae), Labcorp
Classification: Uncertain significance for Charcot-Marie-Tooth disease type 4. Last evaluated: 2018-11-20. Review status: criteria provided, single submitter. Criteria: Invitae Variant Classification Sherloc (09022015). Collection method: clinical testing. Allele origin: germline.
Comment: This variant is not present in population databases (ExAC no frequency). In summary, the available evidence is currently insufficient to determine the role of this variant in disease. Therefore, it has been classified as a Variant of Uncertain Significance. Algorithms developed to predict the effect of missense changes on protein structure and function (SIFT, PolyPhen-2, Align-GVGD) all suggest that this variant is likely to be tolerated, but these predictions have not been confirmed by published functional studies and their clinical significance is uncertain. This variant has not been reported in the literature in individuals with MTMR2-related disease. This sequence change replaces histidine with tyrosine at codon 471 of the MTMR2 protein (p.His471Tyr). The histidine residue is highly conserved and there is a moderate physicochemical difference between histidine and tyrosine.

NM_016156.6(MTMR2):c.1411C>T (p.His471Tyr)

Gene: MTMR2 (myotubularin related protein 2; minus strand). Cytogenetic location: 11q21.
Variant type: single nucleotide variant.
Coding change: c.1411C>T on transcript NM_016156.6 (MANE Select); coding-DNA position 1411, C replaced by T.
Protein change: p.His471Tyr; replaces histidine 471 with tyrosine.
Molecular consequence: missense variant.
Genome position (GRCh38, 1-based): chr11:95,841,685, G>A on the plus strand (C>T on the coding strand, the complement: MTMR2 is on the minus strand). VCF-style: chr11-95841685-G-A. GRCh37 (hg19) VCF-style: chr11-95574849-G-A.
Other names: c.1195C>T, p.His399Tyr (NM_001243571.2, NM_201278.3, NM_201281.3); short protein forms H399Y, H471Y.
Identifiers: ClinVar variation 645071 (VCV000645071.8), dbSNP rs1193305699, ClinGen allele CA382419299.